The following is an entry in ClinVar:

ClinVar aggregate classification (germline): Conflicting classifications of pathogenicity. Review status: criteria provided, conflicting classifications (1 of 4 stars). 5 submissions from 5 submitters: Uncertain significance (4); Likely benign (1). Last evaluated 2025-10-15.

Conditions:
RYR1-related disorder. Also called: RYR1-related disorders; RYR1-related condition. Identifiers: MedGen CN239331.
Malignant hyperthermia, susceptibility to, 1 (MHS1). Also called: Malignant hyperthermia suceptibility 1; RYR1-Related Malignant Hyperthermia Susceptibility; Anesthesia related hyperthermia; Malignant hyperpyrexia; Fulminating hyperpyrexia; Pharmacogenic myopathy. Identifiers: Orphanet 423, MedGen C2930980, MONDO:0007783, OMIM 145600.

Allele frequency attached by ClinVar (database versions not stated): gnomAD exomes 0.00004 and 0.00002; gnomAD 0.00001; TOPMed 0.00001; ExAC 0.00003.
gnomAD v4.1: 30 of 1,611,514 alleles (0.0019%); highest among the groups gnomAD compares: South Asian, 0.0011%; no homozygotes.

Submissions (5):

Labcorp Genetics (formerly Invitae), Labcorp
Classification: Uncertain significance for RYR1-related disorder. Last evaluated: 2025-10-15. Review status: criteria provided, single submitter. Criteria: Invitae Variant Classification Sherloc (09022015). Collection method: clinical testing. Allele origin: germline.
Comment: This sequence change replaces methionine, which is neutral and non-polar, with valine, which is neutral and non-polar, at codon 2101 of the RYR1 protein (p.Met2101Val). This variant is present in population databases (rs531823936, gnomAD 0.06%). This variant has not been reported in the literature in individuals affected with RYR1-related conditions. ClinVar contains an entry for this variant (Variation ID: 224385). Invitae Evidence Modeling of protein sequence and biophysical properties (such as structural, functional, and spatial information, amino acid conservation, physicochemical variation, residue mobility, and thermodynamic stability) indicates that this missense variant is not expected to disrupt RYR1 protein function with a negative predictive value of 80%. In summary, the available evidence is currently insufficient to determine the role of this variant in disease. Therefore, it has been classified as a Variant of Uncertain Significance.

Color Diagnostics, LLC DBA Color Health
Classification: Likely benign for Malignant hyperthermia, susceptibility to, 1. Last evaluated: 2025-06-09. Review status: criteria provided, single submitter. Criteria: ACMG Guidelines, 2015. Collection method: clinical testing. Allele origin: germline.

GeneDx
Classification: Uncertain significance. Last evaluated: 2024-09-05. Review status: criteria provided, single submitter. Criteria: GeneDx Variant Classification Process June 2021. Collection method: clinical testing. Allele origin: germline. Affected: yes.
Comment: In silico analysis indicates that this missense variant does not alter protein structure/function; Has not been previously published as pathogenic or benign to our knowledge; This variant is associated with the following publications: (PMID: 12668474, 33767344)

All of Us Research Program, National Institutes of Health
Classification: Uncertain significance for Malignant hyperthermia, susceptibility to, 1. Last evaluated: 2024-08-30. Review status: criteria provided, single submitter. Criteria: ACMG Guidelines, 2015. Collection method: clinical testing. Allele origin: germline. Inheritance: Autosomal dominant inheritance. Observed: 12 variant alleles, 12 heterozygotes.
Comment: This missense variant replaces methionine with valine at codon 2101 of the RYR1 protein. Computational prediction suggests that this variant may not impact protein structure and function (internally defined REVEL score threshold <= 0.5, PMID: 27666373). To our knowledge, functional studies have not been reported for this variant. This variant has not been reported in individuals affected with RYR1-related disorders in the literature. This variant has not been identified in the general population by the Genome Aggregation Database (gnomAD). The available evidence is insufficient to determine the role of this variant in disease conclusively. Therefore, this variant is classified as a Variant of Uncertain Significance.

This study involves interpretation of variants in research participants for the purpose of population health screening. Participant phenotype was not available at the time of variant classification. Additional details can be found in publication PMID: 35346344, PMCID: PMC8962531

Biesecker Lab/Clinical Genomics Section, National Institutes of Health
Classification: Uncertain significance for Malignant hyperthermia, susceptibility to, 1. Last evaluated: 2013-07-01. Review status: criteria provided, single submitter. Criteria: Gonsalves et al. 2013. Collection method: research. Allele origin: unknown. Observed: 1 variant allele. Study: ClinSeq.
Comment: The study set was not selected for affection status in relation to any myopathy. Pathogenicity categories were based on literature curation. See Pubmed ID: 24195946 for details.

NM_000540.3(RYR1):c.6301A>G (p.Met2101Val)

Gene: RYR1 (ryanodine receptor 1; plus strand). Cytogenetic location: 19q13.2.
Variant type: single nucleotide variant.
Coding change: c.6301A>G on transcript NM_000540.3 (MANE Select); coding-DNA position 6301, A replaced by G.
Protein change: p.Met2101Val; replaces methionine 2101 with valine.
Molecular consequence: missense variant.
Genome position (GRCh38, 1-based): chr19:38,494,378, A>G. VCF-style: chr19-38494378-A-G. GRCh37 (hg19) VCF-style: chr19-38985018-A-G.
Other names: c.6301A>G, p.Met2101Val (NM_001042723.2); short protein forms M2101V.
Identifiers: ClinVar variation 224385 (VCV000224385.12), dbSNP rs531823936, ClinGen allele CA068023.